The following is an entry in ClinVar:

NM_019109.5(ALG1):c.390+1G>A

Gene: ALG1 (ALG1 chitobiosyldiphosphodolichol beta-mannosyltransferase; plus strand). Cytogenetic location: 16p13.3.
Variant type: single nucleotide variant.
Coding change: c.390+1G>A on transcript NM_019109.5 (MANE Select); the canonical splice donor site of the intron after coding-DNA position 390, G replaced by A.
Molecular consequence: splice donor variant.
Genome position (GRCh38, 1-based): chr16:5,073,257, G>A. VCF-style: chr16-5073257-G-A. GRCh37 (hg19) VCF-style: chr16-5123258-G-A.
Other names: c.390+1G>A (NM_001438123.1); c.57+1G>A (NM_001330504.2).
Identifiers: ClinVar variation 5019579 (VCV005019579.2).

ClinVar aggregate classification (germline): Likely pathogenic (1 of 4 stars; one submission).

Conditions:
ALG1-congenital disorder of glycosylation. Also called: ALG1-CDG; CONGENITAL DISORDER OF GLYCOSYLATION, TYPE Ik; CDG Ik. Identifiers: Orphanet 79327, MedGen C2931005, MONDO:0012052, OMIM 608540.

gnomAD v4.1: 1 of 1,613,516 alleles (0.000062%); highest among the groups gnomAD compares: South Asian, 0.0011%; no homozygotes.

Submission:

Juno Genomics, Hangzhou Juno Genomics, Inc
Classification: Likely pathogenic for ALG1-congenital disorder of glycosylation. Review status: criteria provided, single submitter. Criteria: ACMG Guidelines, 2015. Collection method: clinical testing. Allele origin: germline.
Comment: Absent from controls (or at extremely low frequency if recessive) in Genome Aggregation Database.;Null variant in a gene where loss of function (LOF) is a known mechanism of disease.